The following is an entry in ClinVar:

ClinVar aggregate classification (germline): Pathogenic. Review status: reviewed by expert panel (3 of 4 stars). 2 submissions from 2 submitters: Pathogenic (1). 1 of the submissions does not count toward it. Last evaluated 2016-09-08.

Conditions:
Breast-ovarian cancer, familial, susceptibility to, 2 (BROVCA2). Also called: BRCA2 Hereditary Breast and Ovarian Cancer. Identifiers: Orphanet 145, MedGen C2675520, MONDO:0012933, OMIM 612555. Disease mechanism: loss of function.

Submissions (2):

Evidence-based Network for the Interpretation of Germline Mutant Alleles (ENIGMA)
Classification: Pathogenic for Breast-ovarian cancer, familial, susceptibility to, 2. Last evaluated: 2016-09-08. Review status: reviewed by expert panel. Criteria: ENIGMA BRCA1/2 Classification Criteria (2015). Collection method: curation. Allele origin: germline.
Comment: Variant allele predicted to encode a truncated non-functional protein.

Breast Cancer Information Core (BIC) (BRCA2)
Classification: Pathogenic for Breast-ovarian cancer, familial 2. Last evaluated: 1999-06-22. Review status: no assertion criteria provided. Collection method: clinical testing. Allele origin: germline. Affected: yes. Observed: 1 variant allele. Not counted in ClinVar's aggregate classification.

NM_000059.4(BRCA2):c.5946_5949del (p.Ser1982fs)

Gene: BRCA2 (BRCA2 DNA repair associated; plus strand). Cytogenetic location: 13q13.1.
Variant type: Deletion.
Coding change: c.5946_5949del on transcript NM_000059.4 (MANE Select); coding-DNA positions 5946 to 5949, 4 bases deleted (TGGA; older notation c.5946_5949delTGGA).
Protein change: p.Ser1982fs; shifts the reading frame from serine 1982.
Molecular consequence: frameshift variant.
Genome position (GRCh38, 1-based): chr13:32,340,301-32,340,304, TGGA deleted. VCF-style (leftmost placement, unchanged base first): chr13-32340300-GTGGA-G. GRCh37 (hg19) VCF-style: chr13-32914437-GTGGA-G.
Other names: 6174del4; c.5946_5949delTGGA (NM_000059.3); short protein forms S1982fs.
Identifiers: ClinVar variation 51969 (VCV000051969.4), dbSNP rs80359549, ClinGen allele CA023398.
Genomic context (GRCh38, chr13:32,340,300, plus strand): 5'-TAGGGAAGCTTCATAAGTCAGTCTCATCTGCAAATACTTGTGGGATTTTTAGCACAGCAA[GTGGA>G]AAATCTGTCCAGGTATCAGATGCTTCATTACAAAACGCAAGACAAGTGTTTTCTGAAATA-3'